The following is an entry in ClinVar:

ClinVar aggregate classification (germline): Uncertain significance (1 of 4 stars; one submission).

Conditions:
IGF2-related disorder. Also called: IGF2-related condition.

Submission:

PreventionGenetics, part of Exact Sciences
Classification: Uncertain significance for IGF2-related condition. Last evaluated: 2026-08-02. Review status: criteria provided, single submitter. Criteria: ACMG Guidelines, 2015. Collection method: clinical testing. Allele origin: germline.
Comment: The IGF2 c.169A>T variant is predicted to result in the amino acid substitution p.Ser57Cys. To our knowledge, this variant has not been reported in the literature or in a large population database (gnomAD), indicating this variant is rare. At this time, the clinical significance of this variant is uncertain due to the absence of conclusive functional and genetic evidence.

NM_000612.6(IGF2):c.169A>T (p.Ser57Cys)

Genes: IGF2 (insulin like growth factor 2; minus strand), INS-IGF2 (INS-IGF2 readthrough; minus strand). Cytogenetic location: 11p15.5.
Variant type: single nucleotide variant.
Coding change: c.169A>T on transcript NM_000612.6 (MANE Select); coding-DNA position 169, A replaced by T.
Protein change: p.Ser57Cys; replaces serine 57 with cysteine.
Molecular consequence: missense variant. On other transcripts: non-coding transcript variant (1).
Genome position (GRCh38, 1-based): chr11:2,133,654, T>A on the plus strand (A>T on the coding strand, the complement: IGF2 is on the minus strand). VCF-style: chr11-2133654-T-A. GRCh37 (hg19) VCF-style: chr11-2154884-T-A.
Other names: c.169A>T, p.Ser57Cys (NM_001007139.6, NM_001291861.3, NM_001291862.3); c.337A>T, p.Ser113Cys (NM_001127598.3); short protein forms S57C, S113C.
Identifiers: ClinVar variation 4993775 (VCV004993775.1).